The following is an entry in ClinVar:

NM_000038.6(APC):c.4326T>C (p.Pro1442=)

Gene: APC (APC regulator of Wnt signaling pathway; plus strand). Cytogenetic location: 5q22.2.
Variant type: single nucleotide variant.
Coding change: c.4326T>C on transcript NM_000038.6 (MANE Select); coding-DNA position 4326, T replaced by C.
Protein change: p.Pro1442=; no amino-acid change (proline 1442 retained).
Molecular consequence: synonymous variant.
Genome position (GRCh38, 1-based): chr5:112,839,920, T>C. VCF-style: chr5-112839920-T-C. GRCh37 (hg19) VCF-style: chr5-112175617-T-C.
Other names: c.4326T>C, p.Pro1442= (NM_001127510.3, NM_001354895.2); c.4272T>C, p.Pro1424= (NM_001127511.3); c.4380T>C, p.Pro1460= (NM_001354896.2); c.4356T>C, p.Pro1452= (NM_001354897.2); c.4251T>C, p.Pro1417= (NM_001354898.2); c.4242T>C, p.Pro1414= (NM_001354899.2); c.4203T>C, p.Pro1401= (NM_001354900.2); c.4149T>C, p.Pro1383= (NM_001354901.2); and 5 more.
Identifiers: ClinVar variation 482268 (VCV000482268.19), dbSNP rs67622085, ClinGen allele CA445964481.
Genomic context (GRCh38, chr5:112,839,920, plus strand): 5'-TCTTCCAGATAGCCCTGGACAAACCATGCCACCAAGCAGAAGTAAAACACCTCCACCACC[T>C]CCTCAAACAGCTCAAACCAAGCGAGAAGTACCTAAAAATAAAGCACCTACTGCTGAAAAG-3'
Protein context (NP_000029.2, residues 1432-1452): PPSRSKTPPP[Pro1442=]PQTAQTKREV

ClinVar aggregate classification (germline): Benign/Likely benign. Review status: criteria provided, multiple submitters, no conflicts (2 of 4 stars). 5 submissions from 5 submitters: Benign (1); Likely benign (4). Last evaluated 2025-07-27.

Conditions:
Hereditary cancer-predisposing syndrome. Also called: Neoplastic Syndromes, Hereditary; Tumor predisposition; Hereditary Cancer Syndrome; Hereditary neoplastic syndrome. Identifiers: Orphanet 140162, MedGen C0027672, MeSH D009386, MONDO:0015356.
Familial adenomatous polyposis 1 (FAP1). Also called: FAMILIAL ADENOMATOUS POLYPOSIS 1, ATTENUATED; POLYPOSIS, ADENOMATOUS INTESTINAL. Identifiers: MedGen C2713442, MONDO:0021056, OMIM 175100. Disease mechanism: loss of function.
Classic or attenuated familial adenomatous polyposis. Identifiers: MedGen CN372698, MONDO:0021057.

gnomAD v4.1: 3 of 1,613,726 alleles (0.00019%); highest among the groups gnomAD compares: African/African-American, 0.004%; no homozygotes.

Submissions (5):

Labcorp Genetics (formerly Invitae), Labcorp
Classification: Likely benign for Familial adenomatous polyposis 1. Last evaluated: 2025-07-27. Review status: criteria provided, single submitter. Criteria: Invitae Variant Classification Sherloc (09022015). Collection method: clinical testing. Allele origin: germline.

Myriad Genetics, Inc.
Classification: Benign for Familial adenomatous polyposis 1. Last evaluated: 2024-03-26. Review status: criteria provided, single submitter. Criteria: Myriad Autosomal Dominant, Autosomal Recessive and X-Linked Classification Criteria (2023). Collection method: clinical testing. Allele origin: unknown.
Comment: This variant is considered benign. This variant is a silent/synonymous amino acid change and it is not expected to impact splicing.

All of Us Research Program, National Institutes of Health
Classification: Likely benign for Classic or attenuated familial adenomatous polyposis. Last evaluated: 2023-02-15. Review status: criteria provided, single submitter. Criteria: ACMG Guidelines, 2015. Collection method: clinical testing. Allele origin: germline. Inheritance: Autosomal dominant inheritance. Observed: 1 variant allele, 1 heterozygote.
Comment: This study involves interpretation of variants in research participants for the purpose of population health screening. Participant phenotype was not available at the time of variant classification. Additional details can be found in publication PMID: 35346344, PMCID: PMC8962531

Women's Health and Genetics/Laboratory Corporation of America, LabCorp
Classification: Likely benign. Last evaluated: 2022-02-09. Review status: criteria provided, single submitter. Criteria: LabCorp Variant Classification Summary - May 2015. Collection method: clinical testing. Allele origin: germline.

Ambry Genetics
Classification: Likely benign for Hereditary cancer-predisposing syndrome. Last evaluated: 2015-08-24. Review status: criteria provided, single submitter. Criteria: Ambry Variant Classification Scheme 2023. Collection method: clinical testing. Allele origin: germline.